The following is an entry in ClinVar:

NM_152594.3(SPRED1):c.820G>C (p.Asp274His)

Gene: SPRED1 (sprouty related EVH1 domain containing 1; plus strand). Cytogenetic location: 15q14.
Variant type: single nucleotide variant.
Coding change: c.820G>C on transcript NM_152594.3 (MANE Select); coding-DNA position 820, G replaced by C.
Protein change: p.Asp274His; replaces aspartic acid 274 with histidine.
Molecular consequence: missense variant.
Genome position (GRCh38, 1-based): chr15:38,351,149, G>C. VCF-style: chr15-38351149-G-C. GRCh37 (hg19) VCF-style: chr15-38643350-G-C.
Other names: short protein forms D274H.
Identifiers: ClinVar variation 4865053 (VCV004865053.1).
Genomic context (GRCh38, chr15:38,351,149, plus strand): 5'-TTAATACGTCGCTATGCAGACTACAGACATCCTGACATGTGGAAAAATGACTTGGAAAGA[G>C]ATGATGCTGATTCCAGTATTCAGTTTTCTAAACCAGACAGTAAAAAATCAGACTATCTGT-3'
Protein context (NP_689807.1, residues 264-284): PDMWKNDLER[Asp274His]DADSSIQFSK

ClinVar aggregate classification (germline): Uncertain significance (1 of 4 stars; one submission).

Conditions:
Cardiovascular phenotype. Identifiers: MedGen CN230736.

gnomAD v4.1: 1 of 1,614,080 alleles (0.000062%); highest among the groups gnomAD compares: Non-Finnish European, 0.000085%; no homozygotes.

Submission:

Ambry Genetics
Classification: Uncertain significance for Cardiovascular phenotype. Last evaluated: 2026-06-08. Review status: criteria provided, single submitter. Criteria: Ambry Variant Classification Scheme 2023. Collection method: clinical testing. Allele origin: germline.
Comment: The p.D274H variant (also known as c.820G>C), located in coding exon 7 of the SPRED1 gene, results from a G to C substitution at nucleotide position 820. The aspartic acid at codon 274 is replaced by histidine, an amino acid with similar properties. This amino acid position is conserved. In addition, this alteration is predicted to be tolerated by in silico analysis. Based on the available evidence, the clinical significance of this variant remains unclear.